The following is an entry in ClinVar:

ClinVar aggregate classification (germline): Uncertain significance (1 of 4 stars; one submission).

gnomAD v4.1: 1 of 1,613,976 alleles (0.000062%); highest among the groups gnomAD compares: Non-Finnish European, 0.000085%; no homozygotes.

Submission:

Labcorp Genetics (formerly Invitae), Labcorp
Classification: Uncertain significance. Last evaluated: 2025-10-01. Review status: criteria provided, single submitter. Criteria: Invitae Variant Classification Sherloc (09022015). Collection method: clinical testing. Allele origin: germline.
Comment: This sequence change replaces alanine, which is neutral and non-polar, with valine, which is neutral and non-polar, at codon 235 of the PIKFYVE protein (p.Ala235Val). This variant is present in population databases (no rsID available, gnomAD 0.0009%). This variant has not been reported in the literature in individuals affected with PIKFYVE-related conditions. An algorithm developed to predict the effect of missense changes on protein structure and function (PolyPhen-2) suggests that this variant is likely to be tolerated. In summary, the available evidence is currently insufficient to determine the role of this variant in disease. Therefore, it has been classified as a Variant of Uncertain Significance.

NM_015040.4(PIKFYVE):c.704C>T (p.Ala235Val)

Gene: PIKFYVE (phosphoinositide kinase, FYVE-type zinc finger containing; plus strand). Cytogenetic location: 2q34.
Variant type: single nucleotide variant.
Coding change: c.704C>T on transcript NM_015040.4 (MANE Select); coding-DNA position 704, C replaced by T.
Protein change: p.Ala235Val; replaces alanine 235 with valine.
Molecular consequence: missense variant.
Genome position (GRCh38, 1-based): chr2:208,285,816, C>T. VCF-style: chr2-208285816-C-T. GRCh37 (hg19) VCF-style: chr2-209150540-C-T.
Other names: c.704C>T, p.Ala235Val (NM_001178000.2); c.413C>T, p.Ala138Val (NM_152671.4); short protein forms A138V, A235V.
Identifiers: ClinVar variation 4693232 (VCV004693232.1).
Genomic context (GRCh38, chr2:208,285,816, plus strand): 5'-AAATAGCCTTAAGTTATGCTCATTCCACAGACAGTAATTCTATTGGGGAAGACTTGAATG[C>T]TCTTTCAGATTCTGCTTGCTCTGTGTCTGTGCTTGATCCAAGTGAACCCCGAACACCTGT-3'
Protein context (NP_055855.2, residues 225-245): DSNSIGEDLN[Ala235Val]LSDSACSVSV